The following is an entry in ClinVar:

ClinVar aggregate classification (germline): Uncertain significance (1 of 4 stars; one submission).

Conditions:
Familial adenomatous polyposis 2. Also called: FAP type 2; MUTYH-associated polyposis; MUTYH-related attenuated familial adenomatous polyposis; MUTYH Polyposis; Adenomas, multiple colorectal; COLORECTAL ADENOMATOUS POLYPOSIS, AUTOSOMAL RECESSIVE. Identifiers: Orphanet 220460, Orphanet 247798, MedGen C3272841, MONDO:0012041, OMIM 608456.

Submission:

All of Us Research Program, National Institutes of Health
Classification: Uncertain significance for Familial adenomatous polyposis 2. Last evaluated: 2024-09-27. Review status: criteria provided, single submitter. Criteria: ACMG Guidelines, 2015. Collection method: clinical testing. Allele origin: germline. Inheritance: Autosomal recessive inheritance. Observed: 1 variant allele, 1 heterozygote.
Comment: This study involves interpretation of variants in research participants for the purpose of population health screening. Participant phenotype was not available at the time of variant classification. Additional details can be found in publication PMID: 35346344, PMCID: PMC8962531

NM_001128425.2(MUTYH):c.200_205del (p.Gly67_Leu68del)

Gene: MUTYH (mutY DNA glycosylase; minus strand). Cytogenetic location: 1p34.1.
Variant type: Deletion.
Coding change: c.200_205del on transcript NM_001128425.2 (MANE Plus Clinical); coding-DNA positions 200 to 205, 6 bases deleted (GCCTGG; older notation c.200_205delGCCTGG).
Protein change: p.Gly67_Leu68del.
Molecular consequence: inframe deletion. On other transcripts: intron variant (5).
Genome position (GRCh38, 1-based): chr1:45,333,556-45,333,561, CCAGGC deleted on the plus strand (GCCTGG on the coding strand, the reverse complement: MUTYH is on the minus strand); deleting any 6 consecutive bases within chr1:45,333,556-45,333,562 gives the same sequence; the c. name uses the placement nearest the transcript's 3' end. VCF-style (leftmost placement, unchanged base first): chr1-45333555-GCCAGGC-G. GRCh37 (hg19) VCF-style: chr1-45799227-GCCAGGC-G.
Other names: c.119_124del, p.Gly40_Leu41del (NM_001048172.2, NM_001407071.1, NM_001407078.1 and 2 more transcripts); c.161_166del, p.Gly54_Leu55del (NM_001293190.2); c.149_154del, p.Gly50_Leu51del (NM_001293191.2, NM_001407077.1); c.191_196del, p.Gly64_Leu65del (NM_001407069.1, NM_012222.3); c.32_37del, p.Gly11_Leu12del (NM_001407075.1); c.158_163del, p.Gly53_Leu54del (NM_001407083.1, NM_001407085.1); c.137_142del, p.Gly46_Leu47del (NM_001407087.1); c.-92-64_-92-59del (NM_001350651.2, NM_001407082.1); and 1 more.
Identifiers: ClinVar variation 3387083 (VCV003387083.1).